The following is an entry in ClinVar:

NM_182961.4(SYNE1):c.26348C>T (p.Ser8783Leu)

Genes: ESR1 (estrogen receptor 1; plus strand), SYNE1 (spectrin repeat containing nuclear envelope protein 1; minus strand). Cytogenetic location: 6q25.2.
Variant type: single nucleotide variant.
Coding change: c.26348C>T on transcript NM_182961.4 (MANE Select); coding-DNA position 26348, C replaced by T.
Protein change: p.Ser8783Leu; replaces serine 8783 with leucine.
Molecular consequence: missense variant. On other transcripts: 3 prime UTR variant (1), intron variant (1).
Genome position (GRCh38, 1-based): chr6:152,122,482, G>A on the plus strand (C>T on the coding strand, the complement: SYNE1 is on the minus strand). VCF-style: chr6-152122482-G-A. GRCh37 (hg19) VCF-style: chr6-152443617-G-A.
Other names: c.*159C>T (NM_001347701.2); c.2882C>T, p.Ser961Leu (NM_001347702.2); c.26204C>T, p.Ser8735Leu (NM_033071.5); c.851-2784G>A (NM_001328100.2); short protein forms S8735L, S8783L, S961L.
Identifiers: ClinVar variation 3573831 (VCV003573831.1).

ClinVar aggregate classification (germline): Uncertain significance (1 of 4 stars; one submission).

gnomAD v4.1: 6 of 1,614,198 alleles (0.00037%); highest among the groups gnomAD compares: Non-Finnish European, 0.00042%; no homozygotes.

Submission:

GeneDx
Classification: Uncertain significance. Last evaluated: 2024-07-16. Review status: criteria provided, single submitter. Criteria: GeneDx Variant Classification Process June 2021. Collection method: clinical testing. Allele origin: germline. Affected: yes.
Comment: Not observed at significant frequency in large population cohorts (gnomAD); In silico analysis supports that this missense variant has a deleterious effect on protein structure/function; Has not been previously published as pathogenic or benign to our knowledge